The following is an entry in ClinVar:

NM_003743.5(NCOA1):c.1380C>T (p.Ala460=)

Gene: NCOA1 (nuclear receptor coactivator 1; plus strand). Cytogenetic location: 2p23.3.
Variant type: single nucleotide variant.
Coding change: c.1380C>T on transcript NM_003743.5 (MANE Select); coding-DNA position 1380, C replaced by T.
Protein change: p.Ala460=; no amino-acid change (alanine 460 retained).
Molecular consequence: synonymous variant.
Genome position (GRCh38, 1-based): chr2:24,706,850, C>T. VCF-style: chr2-24706850-C-T. GRCh37 (hg19) VCF-style: chr2-24929719-C-T.
Other names: c.1380C>T, p.Ala460= (NM_001362950.1, NM_001362952.1, NM_001362954.1 and 3 more transcripts).
Identifiers: ClinVar variation 4978889 (VCV004978889.1).

ClinVar aggregate classification (germline): Likely benign (1 of 4 stars; one submission).

Conditions:
NCOA1-related disorder. Also called: NCOA1-related condition.

Submission:

PreventionGenetics, part of Exact Sciences
Classification: Likely benign for NCOA1-related condition. Last evaluated: 2026-02-09. Review status: criteria provided, single submitter. Criteria: ACMG Guidelines, 2015. Collection method: clinical testing. Allele origin: germline.
Comment: This variant is classified as likely benign based on ACMG/AMP sequence variant interpretation guidelines (Richards et al. 2015 PMID: 25741868, with internal and published modifications).